The following is an entry in ClinVar:

ClinVar aggregate classification (germline): Uncertain significance. Review status: criteria provided, multiple submitters, no conflicts (2 of 4 stars). 2 submissions from 2 submitters: Uncertain significance (2). Last evaluated 2025-06-28.

Conditions:
Cardiovascular phenotype. Identifiers: MedGen CN230736.

gnomAD v4.1: 7 of 1,614,190 alleles (0.00043%); highest among the groups gnomAD compares: African/African-American, 0.0013%; no homozygotes.

Submissions (2):

Ambry Genetics
Classification: Uncertain significance for Cardiovascular phenotype. Last evaluated: 2025-06-28. Review status: criteria provided, single submitter. Criteria: Ambry Variant Classification Scheme 2023. Collection method: clinical testing. Allele origin: germline.
Comment: The p.F265L variant (also known as c.795C>A), located in coding exon 5 of the TBX1 gene, results from a C to A substitution at nucleotide position 795. The phenylalanine at codon 265 is replaced by leucine, an amino acid with highly similar properties. This amino acid position is conserved. In addition, this alteration is predicted to be deleterious by in silico analysis. Since supporting evidence is limited at this time, the clinical significance of this alteration remains unclear.

GeneDx
Classification: Uncertain significance. Last evaluated: 2022-06-01. Review status: criteria provided, single submitter. Criteria: GeneDx Variant Classification Process June 2021. Collection method: clinical testing. Allele origin: germline. Affected: yes.
Comment: Not observed at significant frequency in large population cohorts (gnomAD); In silico analysis supports that this missense variant has a deleterious effect on protein structure/function; Has not been previously published as pathogenic or benign to our knowledge

NM_001379200.1(TBX1):c.822C>A (p.Phe274Leu)

Gene: TBX1 (T-box transcription factor 1; plus strand). Cytogenetic location: 22q11.21.
Variant type: single nucleotide variant.
Coding change: c.822C>A on transcript NM_001379200.1 (MANE Select); coding-DNA position 822, C replaced by A.
Protein change: p.Phe274Leu; replaces phenylalanine 274 with leucine.
Molecular consequence: missense variant.
Genome position (GRCh38, 1-based): chr22:19,765,068, C>A. VCF-style: chr22-19765068-C-A. GRCh37 (hg19) VCF-style: chr22-19752591-C-A.
Other names: c.795C>A, p.Phe265Leu (NM_005992.1, NM_080646.2, NM_080647.1); short protein forms F274L, F265L.
Identifiers: ClinVar variation 1761387 (VCV001761387.4), dbSNP rs763559631, ClinGen allele CA410683468.
Genomic context (GRCh38, chr22:19,765,068, plus strand): 5'-TGTGGACCCACGCAAAGATAGCGAGAAATATGCCGAGGAGAACTTCAAAACCTTTGTGTT[C>A]GAGGAGACACGATTCACCGCGGTCACTGCCTACCAGAACCATCGGGTGAGGGCCTGTGGG-3'
Protein context (NP_001366129.1, residues 264-284): YAEENFKTFV[Phe274Leu]EETRFTAVTA